The following is an entry in ClinVar:

ClinVar aggregate classification (germline): Pathogenic (1 of 4 stars; one submission).

Conditions:
Breast-ovarian cancer, familial, susceptibility to, 2 (BROVCA2). Also called: BRCA2 Hereditary Breast and Ovarian Cancer. Identifiers: Orphanet 145, MedGen C2675520, MONDO:0012933, OMIM 612555. Disease mechanism: loss of function.

Submission:

All of Us Research Program, National Institutes of Health
Classification: Pathogenic for Breast-ovarian cancer, familial, susceptibility to, 2. Last evaluated: 2024-01-12. Review status: criteria provided, single submitter. Criteria: ACMG Guidelines, 2015. Collection method: clinical testing. Allele origin: germline. Inheritance: Autosomal dominant inheritance. Observed: 1 variant allele, 1 heterozygote.
Comment: The c.3644_3646delinsTAAAAAGG (p.Gly1215Valfs*15) variant in the BRCA2 gene is located on the exon 11 and is predicted to cause shift of reading frame that introduces a premature translation termination codon (p.Gly1215Valfs*15), resulting in an absent or disrupted protein product. Loss-of-function variants of BRCA2 are known to be pathogenic (PMID: 8988179, 11897832, 29446198). The variant is not reported in ClinVar. The variant is absent in the general population database (gnomAD). Therefore, the c.3644_3646delinsTAAAAAGG (p.Gly1215Valfs*15) variant of BRCA2 has been classified as pathogenic.

This study involves interpretation of variants in research participants for the purpose of population health screening. Participant phenotype was not available at the time of variant classification. Additional details can be found in publication PMID: 35346344, PMCID: PMC8962531

Literature cited by the submitters: PubMed 8988179; PubMed 11897832; PubMed 29446198.

NM_000059.4(BRCA2):c.3644_3646delinsTAAAAAGG (p.Gly1215fs)

Gene: BRCA2 (BRCA2 DNA repair associated; plus strand). Cytogenetic location: 13q13.1.
Variant type: Indel.
Coding change: c.3644_3646delinsTAAAAAGG on transcript NM_000059.4 (MANE Select); coding-DNA positions 3644 to 3646, GGT replaced by TAAAAAGG.
Protein change: p.Gly1215fs; shifts the reading frame from glycine 1215.
Molecular consequence: frameshift variant. On other transcripts: non-coding transcript variant (1), intron variant (2).
Genome position (GRCh38, 1-based): chr13:32,337,999-32,338,001, GGT replaced by TAAAAAGG. VCF-style: chr13-32337999-GGT-TAAAAAGG. GRCh37 (hg19) VCF-style: chr13-32912136-GGT-TAAAAAGG.
Other names: c.3644_3646delinsTAAAAAGG, p.Gly1215fs (NM_001406719.1, NM_001406720.1); c.1909+4612_1909+4614delinsTAAAAAGG (NM_001406721.1); c.425-6559_425-6557delinsTAAAAAGG (NM_001406722.1); short protein forms G1215fs.
Identifiers: ClinVar variation 3074130 (VCV003074130.1), dbSNP rs2548526494, ClinGen allele CA2825002129.